The following is an entry in ClinVar:

ClinVar aggregate classification (germline): Uncertain significance (1 of 4 stars; one submission).

Conditions:
Myofibrillar myopathy 4. Also called: Zaspopathy (type). Identifiers: Orphanet 98912, MedGen C4721886, MONDO:0012277, OMIM 609452.

Submission:

Labcorp Genetics (formerly Invitae), Labcorp
Classification: Uncertain significance for Myofibrillar myopathy 4. Last evaluated: 2024-04-16. Review status: criteria provided, single submitter. Criteria: Invitae Variant Classification Sherloc (09022015). Collection method: clinical testing. Allele origin: germline.
Comment: The LDB3 gene has multiple clinically relevant transcripts. This variant occurs in alternate transcript NM_007078.3, and corresponds to NM_001080116.1:c.321+1355_321+1411dup in the primary transcript. This variant, c.398_454dup, results in the insertion of 19 amino acid(s) of the LDB3 protein (p.Ala151_Phe152ins19), but otherwise preserves the integrity of the reading frame. This variant is not present in population databases (gnomAD no frequency). This variant has not been reported in the literature in individuals affected with LDB3-related conditions. Experimental studies and prediction algorithms are not available or were not evaluated, and the functional significance of this variant is currently unknown. In summary, the available evidence is currently insufficient to determine the role of this variant in disease. Therefore, it has been classified as a Variant of Uncertain Significance.

NM_007078.3(LDB3):c.398_454dup (p.Ala151_Phe152insSerGlyThrProGluLeuArgProThrPheSerProAlaPheSerArgProSerAla)

Gene: LDB3 (LIM domain binding 3; plus strand). Cytogenetic location: 10q23.2.
Variant type: Duplication.
Coding change: c.398_454dup on transcript NM_007078.3 (MANE Select); coding-DNA positions 398 to 454, 57 bases duplicated.
Protein change: p.Ala151_Phe152insSerGlyThrProGluLeuArgProThrPheSerProAlaPheSerArgProSerAla.
Molecular consequence: inframe insertion. On other transcripts: intron variant (5).
Genome position (GRCh38, 1-based): chr10:86,681,512-86,681,568, 57 bases duplicated. GRCh37 (hg19): chr10:88,441,269-88,441,325.
Other names: c.398_454dup, p.Ala151_Phe152insSerGlyThrProGluLeuArgProThrPheSerProAlaPheSerArgProSerAla (NM_001080115.2, NM_001171610.2, NM_001171611.2 and 3 more transcripts); c.321+1355_321+1411dup (NM_001368068.1, NM_001368066.1, NM_001080114.2 and 2 more transcripts).
Identifiers: ClinVar variation 2782171 (VCV002782171.3), dbSNP rs2492590525, ClinGen allele CA2739275866.